The following is an entry in ClinVar:

NM_004360.5(CDH1):c.1387G>A (p.Glu463Lys)

Gene: CDH1 (cadherin 1; plus strand). Cytogenetic location: 16q22.1.
Variant type: single nucleotide variant.
Coding change: c.1387G>A on transcript NM_004360.5 (MANE Select); coding-DNA position 1387, G replaced by A.
Protein change: p.Glu463Lys; replaces glutamic acid 463 with lysine.
Molecular consequence: missense variant. On other transcripts: 5 prime UTR variant (2).
Genome position (GRCh38, 1-based): chr16:68,815,581, G>A. VCF-style: chr16-68815581-G-A. GRCh37 (hg19) VCF-style: chr16-68849484-G-A.
Other names: c.1204G>A, p.Glu402Lys (NM_001317184.2); c.-162G>A (NM_001317185.2); c.-433G>A (NM_001317186.2); short protein forms E402K, E463K.
Identifiers: ClinVar variation 948866 (VCV000948866.11), dbSNP rs1960961009, ClinGen allele CA396462864.

ClinVar aggregate classification (germline): Uncertain significance. Review status: criteria provided, multiple submitters, no conflicts (2 of 4 stars). 2 submissions from 2 submitters: Uncertain significance (2). Last evaluated 2023-09-17.

Conditions:
Hereditary cancer-predisposing syndrome. Also called: Neoplastic Syndromes, Hereditary; Hereditary neoplastic syndrome; Hereditary Cancer Syndrome; Tumor predisposition. Identifiers: Orphanet 140162, MedGen C0027672, MeSH D009386, MONDO:0015356.
Hereditary diffuse gastric adenocarcinoma (HDGC). Also called: DIFFUSE GASTRIC AND LOBULAR BREAST CANCER SYNDROME. Identifiers: Orphanet 26106, MedGen C1708349, MONDO:0007648, OMIM 137215.

Submissions (2):

Ambry Genetics
Classification: Uncertain significance for Hereditary cancer-predisposing syndrome. Last evaluated: 2023-09-17. Review status: criteria provided, single submitter. Criteria: Ambry Variant Classification Scheme 2023. Collection method: clinical testing. Allele origin: germline.
Comment: The p.E463K variant (also known as c.1387G>A), located in coding exon 10 of the CDH1 gene, results from a G to A substitution at nucleotide position 1387. The glutamic acid at codon 463 is replaced by lysine, an amino acid with similar properties. This amino acid position is conserved. In addition, this alteration is predicted to be tolerated by in silico analysis. Since supporting evidence is limited at this time, the clinical significance of this alteration remains unclear.

Labcorp Genetics (formerly Invitae), Labcorp
Classification: Uncertain significance for Hereditary diffuse gastric adenocarcinoma. Last evaluated: 2019-04-23. Review status: criteria provided, single submitter. Criteria: Invitae Variant Classification Sherloc (09022015). Collection method: clinical testing. Allele origin: germline.
Comment: This sequence change replaces glutamic acid with lysine at codon 463 of the CDH1 protein (p.Glu463Lys). The glutamic acid residue is moderately conserved and there is a small physicochemical difference between glutamic acid and lysine. This variant is not present in population databases (ExAC no frequency). This variant has not been reported in the literature in individuals with CDH1-related conditions. Algorithms developed to predict the effect of missense changes on protein structure and function (SIFT, PolyPhen-2, Align-GVGD) all suggest that this variant is likely to be tolerated, but these predictions have not been confirmed by published functional studies and their clinical significance is uncertain. In summary, the available evidence is currently insufficient to determine the role of this variant in disease. Therefore, it has been classified as a Variant of Uncertain Significance.